The following is an entry in ClinVar:

NM_006231.4(POLE):c.786C>A (p.Asp262Glu)

Gene: POLE (DNA polymerase epsilon, catalytic subunit; minus strand). Cytogenetic location: 12q24.33.
Variant type: single nucleotide variant.
Coding change: c.786C>A on transcript NM_006231.4 (MANE Select); coding-DNA position 786, C replaced by A.
Protein change: p.Asp262Glu; replaces aspartic acid 262 with glutamic acid.
Molecular consequence: missense variant.
Genome position (GRCh38, 1-based): chr12:132,677,378, G>T on the plus strand (C>A on the coding strand, the complement: POLE is on the minus strand). VCF-style: chr12-132677378-G-T. GRCh37 (hg19) VCF-style: chr12-133253964-G-T.
Other names: short protein forms D262E.
Identifiers: ClinVar variation 1005380 (VCV001005380.8), dbSNP rs201223598, ClinGen allele CA387364429.

ClinVar aggregate classification (germline): Uncertain significance (1 of 4 stars; one submission).

Submission:

Labcorp Genetics (formerly Invitae), Labcorp
Classification: Uncertain significance. Last evaluated: 2020-03-23. Review status: criteria provided, single submitter. Criteria: Invitae Variant Classification Sherloc (09022015). Collection method: clinical testing. Allele origin: germline.
Comment: This variant is not present in population databases (ExAC no frequency). This variant has not been reported in the literature in individuals with POLE-related conditions. Algorithms developed to predict the effect of missense changes on protein structure and function are either unavailable or do not agree on the potential impact of this missense change (SIFT: "Tolerated"; PolyPhen-2: "Possibly Damaging"; Align-GVGD: "Class C0"). In summary, the available evidence is currently insufficient to determine the role of this variant in disease. Therefore, it has been classified as a Variant of Uncertain Significance. This sequence change replaces aspartic acid with glutamic acid at codon 262 of the POLE protein (p.Asp262Glu). The aspartic acid residue is highly conserved and there is a small physicochemical difference between aspartic acid and glutamic acid.